The following is an entry in ClinVar:

ClinVar aggregate classification (germline): Uncertain significance (1 of 4 stars; one submission).

Conditions:
Hereditary cancer-predisposing syndrome. Also called: Neoplastic Syndromes, Hereditary; Tumor predisposition; Hereditary neoplastic syndrome; Hereditary Cancer Syndrome. Identifiers: Orphanet 140162, MedGen C0027672, MeSH D009386, MONDO:0015356.

Submission:

Ambry Genetics
Classification: Uncertain significance for Hereditary cancer-predisposing syndrome. Last evaluated: 2026-08-08. Review status: criteria provided, single submitter. Criteria: Ambry Variant Classification Scheme 2023. Collection method: clinical testing. Allele origin: germline.
Comment: The p.D1398H variant (also known as c.4192G>C), located in coding exon 20 of the MET gene, results from a G to C substitution at nucleotide position 4192. The aspartic acid at codon 1398 is replaced by histidine, an amino acid with similar properties. This amino acid position is conserved. In addition, this alteration is predicted to be tolerated by in silico analysis. Based on the available evidence, the clinical significance of this variant remains unclear.

NM_000245.4(MET):c.4138G>C (p.Asp1380His)

Gene: MET (MET proto-oncogene, receptor tyrosine kinase; plus strand). Cytogenetic location: 7q31.2.
Variant type: single nucleotide variant.
Coding change: c.4138G>C on transcript NM_000245.4 (MANE Select); coding-DNA position 4138, G replaced by C.
Protein change: p.Asp1380His; replaces aspartic acid 1380 with histidine.
Molecular consequence: missense variant.
Genome position (GRCh38, 1-based): chr7:116,796,089, G>C. VCF-style: chr7-116796089-G-C. GRCh37 (hg19) VCF-style: chr7-116436143-G-C.
Other names: c.4192G>C, p.Asp1398His (NM_001127500.3); c.2848G>C, p.Asp950His (NM_001324402.2); short protein forms D1380H, D1398H, D950H.
Identifiers: ClinVar variation 5024313 (VCV005024313.1).